The following is an entry in ClinVar:

NM_000136.3(FANCC):c.-79+14C>G

Gene: FANCC (FA complementation group C; minus strand). Cytogenetic location: 9q22.32.
Variant type: single nucleotide variant.
Coding change: c.-79+14C>G on transcript NM_000136.3 (MANE Select); 14 bases into the intron after 79 bases upstream of the start codon, C replaced by G.
Molecular consequence: intron variant.
Genome position (GRCh38, 1-based): chr9:95,317,512, G>C on the plus strand (C>G on the coding strand, the complement: FANCC is on the minus strand). VCF-style: chr9-95317512-G-C. GRCh37 (hg19) VCF-style: chr9-98079794-G-C.
Other names: c.-79+14C>G (NM_001243744.2).
Identifiers: ClinVar variation 385886 (VCV000385886.1), dbSNP rs1057522357, ClinGen allele CA16605913.
Genomic context (GRCh38, chr9:95,317,512, plus strand): 5'-CTCGCCGCTGACGTGTCGGCCAGACCCCCGAGGGAAGCCTCCGCCCTCGCTGCGTTCTGC[G>C]GCCTGCCGCTTACCGGGTGGTCCTCGCGGGAGCTGCTTCAGCAGTTTGGGCAGTGGCGGA-3'

ClinVar aggregate classification (germline): Likely benign (1 of 4 stars; one submission).

Submission:

GeneDx
Classification: Likely benign. Last evaluated: 2016-04-29. Review status: criteria provided, single submitter. Criteria: GeneDx Variant Classification (06012015). Collection method: clinical testing. Allele origin: germline. Affected: yes.
Comment: This variant is considered likely benign or benign based on one or more of the following criteria: it is a conservative change, it occurs at a poorly conserved position in the protein, it is predicted to be benign by multiple in silico algorithms, and/or has population frequency not consistent with disease.